The following is an entry in ClinVar:

NM_017852.5(NLRP2):c.855C>T (p.Phe285=)

Gene: NLRP2 (NLR family pyrin domain containing 2; plus strand). Cytogenetic location: 19q13.42.
Variant type: single nucleotide variant.
Coding change: c.855C>T on transcript NM_017852.5 (MANE Select); coding-DNA position 855, C replaced by T.
Protein change: p.Phe285=; no amino-acid change (phenylalanine 285 retained).
Molecular consequence: synonymous variant. On other transcripts: non-coding transcript variant (1).
Genome position (GRCh38, 1-based): chr19:54,982,553, C>T. VCF-style: chr19-54982553-C-T. GRCh37 (hg19) VCF-style: chr19-55493921-C-T.
Other names: c.855C>T, p.Phe285= (NM_001174081.3); c.789C>T, p.Phe263= (NM_001174082.3); c.786C>T, p.Phe262= (NM_001174083.2); c.846C>T, p.Phe282= (NM_001348003.2).
Identifiers: ClinVar variation 3032360 (VCV003032360.2), dbSNP rs147098165, ClinGen allele CA310103172.
Genomic context (GRCh38, chr19:54,982,553, plus strand): 5'-CTGGCCTGAATTGCAGGATGACATTCCACACATCCTAGCCCAAGCACGGAAAATCTTGTT[C>T]GTGATTGACGGCTTTGATGAGCTGGGAGCCGCACCTGGGGCGCTGATCGAGGACATCTGC-3'
Protein context (NP_060322.1, residues 275-295): HILAQARKIL[Phe285=]VIDGFDELGA

ClinVar aggregate classification (germline): Likely benign (0 of 4 stars; one submission).

Conditions:
NLRP2-related disorder. Also called: NLRP2-related condition.

gnomAD v4.1: 126 of 1,614,062 alleles (0.0078%); highest among the groups gnomAD compares: Middle Eastern, 0.033%; no homozygotes.

Submission:

PreventionGenetics, part of Exact Sciences
Classification: Likely benign for NLRP2-related condition. Last evaluated: 2020-08-19. Review status: no assertion criteria provided. Collection method: clinical testing. Allele origin: germline.
Comment: This variant is classified as likely benign based on ACMG/AMP sequence variant interpretation guidelines (Richards et al. 2015 PMID: 25741868, with internal and published modifications).